The following is an entry in ClinVar:

ClinVar aggregate classification (germline): Uncertain significance (1 of 4 stars; one submission).

Allele frequency attached by ClinVar (database versions not stated): TOPMed below 0.00001; gnomAD exomes 0.00002.

Submission:

Labcorp Genetics (formerly Invitae), Labcorp
Classification: Uncertain significance. Last evaluated: 2024-04-25. Review status: criteria provided, single submitter. Criteria: Invitae Variant Classification Sherloc (09022015). Collection method: clinical testing. Allele origin: germline.
Comment: This sequence change replaces proline, which is neutral and non-polar, with leucine, which is neutral and non-polar, at codon 32 of the PKDCC protein (p.Pro32Leu). The frequency data for this variant in the population databases is considered unreliable, as metrics indicate insufficient coverage at this position in the gnomAD database. This variant has not been reported in the literature in individuals affected with PKDCC-related conditions. ClinVar contains an entry for this variant (Variation ID: 1369103). An algorithm developed to predict the effect of missense changes on protein structure and function (PolyPhen-2) suggests that this variant is likely to be tolerated. In summary, the available evidence is currently insufficient to determine the role of this variant in disease. Therefore, it has been classified as a Variant of Uncertain Significance.

NM_138370.3(PKDCC):c.95C>T (p.Pro32Leu)

Genes: PKDCC (protein kinase domain containing, cytoplasmic; plus strand), LOC129933563 (ATAC-STARR-seq lymphoblastoid silent region 11396; plus strand). Cytogenetic location: 2p21.
Variant type: single nucleotide variant.
Coding change: c.95C>T on transcript NM_138370.3 (MANE Select); coding-DNA position 95, C replaced by T.
Protein change: p.Pro32Leu; replaces proline 32 with leucine.
Molecular consequence: missense variant.
Genome position (GRCh38, 1-based): chr2:42,048,294, C>T. VCF-style: chr2-42048294-C-T. GRCh37 (hg19) VCF-style: chr2-42275434-C-T.
Other names: short protein forms P32L.
Identifiers: ClinVar variation 1369103 (VCV001369103.6), dbSNP rs1667901626, ClinGen allele CA346622472.